The following is an entry in ClinVar:

ClinVar aggregate classification (germline): Uncertain significance. Review status: criteria provided, multiple submitters, no conflicts (2 of 4 stars). 4 submissions from 3 submitters: Uncertain significance (4). Last evaluated 2024-10-24.

Conditions:
Retinitis pigmentosa 39 (RP39). Identifiers: Orphanet 791, MedGen C3151138, MONDO:0013436, OMIM 613809.
Usher syndrome type 2A. Also called: RETINAL DISEASE IN USHER SYNDROME TYPE IIA, MODIFIER OF; USHER SYNDROME, TYPE IIA. Identifiers: Orphanet 231178, Orphanet 886, MedGen C1848634, MONDO:0010169, OMIM 276901.

Allele frequency attached by ClinVar (database versions not stated): gnomAD exomes below 0.00001 and 0.00001; ExAC 0.00001; TOPMed 0.00001.
gnomAD v4.1: 8 of 1,613,738 alleles (0.0005%); highest among the groups gnomAD compares: East Asian, 0.0022%; no homozygotes.

Submissions (4):

Labcorp Genetics (formerly Invitae), Labcorp
Classification: Uncertain significance. Last evaluated: 2024-10-24. Review status: criteria provided, single submitter. Criteria: Invitae Variant Classification Sherloc (09022015). Collection method: clinical testing. Allele origin: germline.
Comment: This sequence change replaces serine, which is neutral and polar, with leucine, which is neutral and non-polar, at codon 1824 of the USH2A protein (p.Ser1824Leu). This variant is present in population databases (rs748792761, gnomAD 0.003%). This variant has not been reported in the literature in individuals affected with USH2A-related conditions. ClinVar contains an entry for this variant (Variation ID: 1301300). Invitae Evidence Modeling of protein sequence and biophysical properties (such as structural, functional, and spatial information, amino acid conservation, physicochemical variation, residue mobility, and thermodynamic stability) indicates that this missense variant is not expected to disrupt USH2A protein function with a negative predictive value of 95%. In summary, the available evidence is currently insufficient to determine the role of this variant in disease. Therefore, it has been classified as a Variant of Uncertain Significance.

Genome-Nilou Lab
Classification: Uncertain significance for Retinitis pigmentosa 39. Last evaluated: 2023-11-04. Review status: criteria provided, single submitter. Criteria: ACMG Guidelines, 2015. Collection method: clinical testing. Allele origin: germline. Affected: no.

Genome-Nilou Lab
Classification: Uncertain significance for Usher syndrome type 2A. Last evaluated: 2023-11-04. Review status: criteria provided, single submitter. Criteria: ACMG Guidelines, 2015. Collection method: clinical testing. Allele origin: germline. Affected: no.

GeneDx
Classification: Uncertain significance. Last evaluated: 2021-09-07. Review status: criteria provided, single submitter. Criteria: GeneDx Variant Classification Process June 2021. Collection method: clinical testing. Allele origin: germline. Affected: yes.

NM_206933.4(USH2A):c.5471C>T (p.Ser1824Leu)

Genes: USH2A (usherin; minus strand), USH2A-AS2 (USH2A antisense RNA 2; plus strand). Cytogenetic location: 1q41.
Variant type: single nucleotide variant.
Coding change: c.5471C>T on transcript NM_206933.4 (MANE Select); coding-DNA position 5471, C replaced by T.
Protein change: p.Ser1824Leu; replaces serine 1824 with leucine.
Molecular consequence: missense variant.
Genome position (GRCh38, 1-based): chr1:216,078,190, G>A on the plus strand (C>T on the coding strand, the complement: USH2A is on the minus strand). VCF-style: chr1-216078190-G-A. GRCh37 (hg19) VCF-style: chr1-216251532-G-A.
Other names: short protein forms S1824L.
Identifiers: ClinVar variation 1301300 (VCV001301300.6), dbSNP rs748792761, ClinGen allele CA1395444.